The following is an entry in ClinVar:

NM_002691.4(POLD1):c.2185G>A (p.Glu729Lys)

Gene: POLD1 (DNA polymerase delta 1, catalytic subunit; plus strand). Cytogenetic location: 19q13.33.
Variant type: single nucleotide variant.
Coding change: c.2185G>A on transcript NM_002691.4 (MANE Select); coding-DNA position 2185, G replaced by A.
Protein change: p.Glu729Lys; replaces glutamic acid 729 with lysine.
Molecular consequence: missense variant. On other transcripts: non-coding transcript variant (1).
Genome position (GRCh38, 1-based): chr19:50,413,456, G>A. VCF-style: chr19-50413456-G-A. GRCh37 (hg19) VCF-style: chr19-50916713-G-A.
Other names: c.2185G>A, p.Glu729Lys (NM_001256849.1); c.2263G>A, p.Glu755Lys (NM_001308632.1); c.2185G>A (NM_002691.2); short protein forms E729K, E755K.
Identifiers: ClinVar variation 414802 (VCV000414802.62), dbSNP rs200931999, ClinGen allele CA9596437.

ClinVar aggregate classification (germline): Conflicting classifications of pathogenicity. Review status: criteria provided, conflicting classifications (1 of 4 stars). 11 submissions from 11 submitters: Uncertain significance (5); Likely benign (5). 1 of the submissions does not count toward it. Last evaluated 2026-01-17.

Conditions:
Hereditary cancer-predisposing syndrome. Also called: Tumor predisposition; Hereditary neoplastic syndrome; Hereditary Cancer Syndrome; Neoplastic Syndromes, Hereditary. Identifiers: Orphanet 140162, MedGen C0027672, MeSH D009386, MONDO:0015356.
POLD1-related polyposis and colorectal cancer syndrome (CRCS10). Also called: COLORECTAL CANCER, SUSCEPTIBILITY TO, ON CHROMOSOME 19q; Colorectal cancer 10; Colorectal cancer, susceptibility to, 10. Identifiers: Orphanet 220460, MedGen C2675481, MONDO:0012953, OMIM 612591.

Allele frequency attached by ClinVar (database versions not stated): TOPMed 0.00010; gnomAD exomes 0.00016; ExAC 0.00025.
gnomAD v4.1: 98 of 1,613,218 alleles (0.0061%); highest among the groups gnomAD compares: Admixed American, 0.027%; no homozygotes.

Submissions (11):

Labcorp Genetics (formerly Invitae), Labcorp
Classification: Likely benign for POLD1-related polyposis and colorectal cancer syndrome. Last evaluated: 2026-01-17. Review status: criteria provided, single submitter. Criteria: Invitae Variant Classification Sherloc (09022015). Collection method: clinical testing. Allele origin: germline.

Center for Genomic Medicine, Rigshospitalet, Copenhagen University Hospital
Classification: Uncertain significance. Last evaluated: 2025-12-29. Review status: criteria provided, single submitter. Criteria: ACMG Guidelines, 2015. Collection method: clinical testing. Allele origin: germline.

GeneDx
Classification: Uncertain significance. Last evaluated: 2025-05-06. Review status: criteria provided, single submitter. Criteria: GeneDx Variant Classification Process June 2021. Collection method: clinical testing. Allele origin: germline. Affected: yes.
Comment: In silico analysis supports that this missense variant has a deleterious effect on protein structure/function; Has not been previously published as pathogenic or benign to our knowledge; This variant is associated with the following publications: (PMID: 20951805)

St. Jude Molecular Pathology, St. Jude Children's Research Hospital
Classification: Uncertain significance for POLD1-related polyposis and colorectal cancer syndrome. Last evaluated: 2024-12-11. Review status: criteria provided, single submitter. Criteria: St. Jude Assertion Criteria 2020. Collection method: clinical testing. Allele origin: germline.
Comment: The POLD1 c.2185G>A (p.Glu729Lys) missense change has a maximum subpopulation frequency of 0.04% in gnomAD v2.1.1. The in silico tool REVEL predicts a benign effect on protein function, but to our knowledge this prediction has not been confirmed by functional studies. To our knowledge, this variant has not been reported in the literature in individuals with POLD1-related disease. In summary, the evidence currently available is insufficient to determine the clinical significance of this variant. It has therefore been classified as of uncertain significance.

Blueprint Genetics
Classification: Uncertain significance. Last evaluated: 2024-11-11. Review status: criteria provided, single submitter. Criteria: ACMG Guidelines, 2015. Collection method: clinical testing. Allele origin: germline.

Quest Diagnostics Nichols Institute San Juan Capistrano
Classification: Likely benign. Last evaluated: 2024-09-04. Review status: criteria provided, single submitter. Criteria: Quest Diagnostics criteria. Collection method: clinical testing. Allele origin: unknown.

Ambry Genetics
Classification: Likely benign for Hereditary cancer-predisposing syndrome. Last evaluated: 2024-08-20. Review status: criteria provided, single submitter. Criteria: Ambry Variant Classification Scheme 2023. Collection method: clinical testing. Allele origin: germline.

CeGaT Center for Human Genetics Tuebingen
Classification: Likely benign. Last evaluated: 2023-04-01. Review status: criteria provided, single submitter. Criteria: CeGaT Center For Human Genetics Tuebingen Variant Classification Criteria Version 2. Collection method: clinical testing. Allele origin: germline. Affected: yes. Observed: 1 variant allele.
Comment: POLD1: BS1

Sema4
Classification: Likely benign for Hereditary cancer-predisposing syndrome. Last evaluated: 2021-04-14. Review status: criteria provided, single submitter. Criteria: Sema4 Curation Guidelines. Collection method: curation. Allele origin: germline.

Baylor Genetics
Classification: Uncertain significance for POLD1-related polyposis and colorectal cancer syndrome. Last evaluated: 2020-06-22. Review status: criteria provided, single submitter. Criteria: ACMG Guidelines, 2015. Collection method: clinical testing. Allele origin: unknown. Affected: yes. Study: CSER-TexasKidsCanSeq.
Comment: This variant was determined to be of uncertain significance according to ACMG Guidelines, 2015 [PMID:25741868].

True Health Diagnostics
Classification: Uncertain significance for Hereditary cancer-predisposing syndrome. Last evaluated: 2018-04-06. Review status: no assertion criteria provided. Collection method: clinical testing. Allele origin: germline. Not counted in ClinVar's aggregate classification.